The following is an entry in ClinVar:

NM_000380.4(XPA):c.511C>T (p.His171Tyr)

Gene: XPA (XPA, DNA damage recognition and repair factor; minus strand). Cytogenetic location: 9q22.33.
Variant type: single nucleotide variant.
Coding change: c.511C>T on transcript NM_000380.4 (MANE Select); coding-DNA position 511, C replaced by T.
Protein change: p.His171Tyr; replaces histidine 171 with tyrosine.
Molecular consequence: missense variant. On other transcripts: non-coding transcript variant (4).
Genome position (GRCh38, 1-based): chr9:97,687,140, G>A on the plus strand (C>T on the coding strand, the complement: XPA is on the minus strand). VCF-style: chr9-97687140-G-A. GRCh37 (hg19) VCF-style: chr9-100449422-G-A.
Other names: c.385C>T, p.His129Tyr (NM_001354975.2); short protein forms H129Y, H171Y.
Identifiers: ClinVar variation 1714935 (VCV001714935.5), dbSNP rs1362296585, ClinGen allele CA374187373.

ClinVar aggregate classification (germline): Uncertain significance (1 of 4 stars; one submission).

Allele frequency attached by ClinVar (database versions not stated): TOPMed below 0.00001; gnomAD 0.00001.
gnomAD v4.1: 1 of 1,612,680 alleles (0.000062%); highest among the groups gnomAD compares: Admixed American, 0.0017%; no homozygotes.

Submission:

Labcorp Genetics (formerly Invitae), Labcorp
Classification: Uncertain significance. Last evaluated: 2022-08-03. Review status: criteria provided, single submitter. Criteria: Invitae Variant Classification Sherloc (09022015). Collection method: clinical testing. Allele origin: germline.
Comment: In summary, the available evidence is currently insufficient to determine the role of this variant in disease. Therefore, it has been classified as a Variant of Uncertain Significance. Algorithms developed to predict the effect of missense changes on protein structure and function are either unavailable or do not agree on the potential impact of this missense change (SIFT: "Not Available"; PolyPhen-2: "Probably Damaging"; Align-GVGD: "Not Available"). This variant has not been reported in the literature in individuals affected with XPA-related conditions. This variant is not present in population databases (gnomAD no frequency). This sequence change replaces histidine, which is basic and polar, with tyrosine, which is neutral and polar, at codon 171 of the XPA protein (p.His171Tyr).